The following is an entry in ClinVar:

NM_024334.3(TMEM43):c.704A>G (p.Glu235Gly)

Gene: TMEM43 (transmembrane protein 43; plus strand). Cytogenetic location: 3p25.1.
Variant type: single nucleotide variant.
Coding change: c.704A>G on transcript NM_024334.3 (MANE Select); coding-DNA position 704, A replaced by G.
Protein change: p.Glu235Gly; replaces glutamic acid 235 with glycine.
Molecular consequence: missense variant.
Genome position (GRCh38, 1-based): chr3:14,134,890, A>G. VCF-style: chr3-14134890-A-G. GRCh37 (hg19) VCF-style: chr3-14176390-A-G.
Other names: short protein forms E235G.
Identifiers: ClinVar variation 938949 (VCV000938949.8), dbSNP rs751419150, ClinGen allele CA351535682.
Genomic context (GRCh38, chr3:14,134,890, plus strand): 5'-ATGTGGACATCATTCGCCGTGGAGACTTTTTCTACCACAGCGAAAATCCCAAGTATCCAG[A>G]GGTGTGCGGAGAGGCCTGGGCTCTCCAAATAGGAGGGTCAGGGCGCTAGGATCAGGTTCC-3'
Protein context (NP_077310.1, residues 225-245): FYHSENPKYP[Glu235Gly]VGDLRVSFSY

ClinVar aggregate classification (germline): Uncertain significance. Review status: criteria provided, multiple submitters, no conflicts (2 of 4 stars). 2 submissions from 2 submitters: Uncertain significance (2). Last evaluated 2024-01-14.

Conditions:
Cardiomyopathy (CMYO). Also called: Cardiomyopathies. Identifiers: Orphanet 167848, MedGen C0878544, MONDO:0004994, HP:0001638. Inheritance: Various modes of inheritance.
Arrhythmogenic right ventricular dysplasia 5. Also called: Arrhythmogenic Right Ventricular Dysplasia/Cardiomyopathy 5; ARRHYTHMOGENIC RIGHT VENTRICULAR DYSPLASIA, FAMILIAL, 5. Identifiers: MedGen C1858379, MONDO:0011459, OMIM 604400.

gnomAD v4.1: 1 of 1,614,060 alleles (0.000062%); highest among the groups gnomAD compares: East Asian, 0.0022%; no homozygotes.

Submissions (2):

Color Diagnostics, LLC DBA Color Health
Classification: Uncertain significance for Cardiomyopathy. Last evaluated: 2024-01-14. Review status: criteria provided, single submitter. Criteria: ACMG Guidelines, 2015. Collection method: clinical testing. Allele origin: germline.
Comment: This missense variant replaces glutamic acid with glycine at codon 235 of the TMEM43 protein. Computational prediction suggests that this variant may not impact protein structure and function (internally defined REVEL score threshold <= 0.5, PMID: 27666373). To our knowledge, functional studies have not been reported for this variant. This variant has not been reported in individuals affected with TMEM43-related disorders in the literature. This variant has not been identified in the general population by the Genome Aggregation Database (gnomAD). The available evidence is insufficient to determine the role of this variant in disease conclusively. Therefore, this variant is classified as a Variant of Uncertain Significance.

Labcorp Genetics (formerly Invitae), Labcorp
Classification: Uncertain significance for Arrhythmogenic right ventricular dysplasia 5. Last evaluated: 2021-08-24. Review status: criteria provided, single submitter. Criteria: Invitae Variant Classification Sherloc (09022015). Collection method: clinical testing. Allele origin: germline.
Comment: This sequence change replaces glutamic acid with glycine at codon 235 of the TMEM43 protein (p.Glu235Gly). The glutamic acid residue is highly conserved and there is a moderate physicochemical difference between glutamic acid and glycine. This variant is not present in population databases (ExAC no frequency). This variant has not been reported in the literature in individuals affected with TMEM43-related conditions. Algorithms developed to predict the effect of missense changes on protein structure and function are either unavailable or do not agree on the potential impact of this missense change (SIFT: "Deleterious"; PolyPhen-2: "Probably Damaging"; Align-GVGD: "Class C0"). Algorithms developed to predict the effect of sequence changes on RNA splicing suggest that this variant may disrupt the consensus splice site. In summary, the available evidence is currently insufficient to determine the role of this variant in disease. Therefore, it has been classified as a Variant of Uncertain Significance.